The following is an entry in ClinVar:

NM_000135.2(FANCA):c.1007-10_2504+209del

Gene: FANCA (FA complementation group A; minus strand). Cytogenetic location: 16q24.3.
Variant type: Deletion.
Coding change: c.1007-10_2504+209del on transcript NM_000135.2; 10 bases into the intron before coding-DNA position 1007 through 209 bases into the intron after coding-DNA position 2504, this stretch deleted.
Identifiers: ClinVar variation 974305 (VCV000974305.1).

ClinVar aggregate classification (germline): Pathogenic (0 of 4 stars; one submission).

Conditions:
Fanconi anemia complementation group A (FANCA). Also called: Fanconi anemia, group A; FANCA-Related Fanconi Anemia. Identifiers: Orphanet 84, MedGen C3469521, MONDO:0009215, OMIM 227650.

Submission:

Leiden Open Variation Database
Classification: Pathogenic for Fanconi anemia complementation group A. Last evaluated: 2020-02-28. Review status: no assertion criteria provided. Collection method: curation. Allele origin: germline. Affected: yes.
Comment: Curator: Arleen D. Auerbach. Submitter to LOVD: Arleen D. Auerbach.

Literature cited by the submitters: PubMed 15523645.